The following is an entry in ClinVar:

NM_001130987.2(DYSF):c.5620A>G (p.Met1874Val)

Gene: DYSF (dysferlin; plus strand). Cytogenetic location: 2p13.2.
Variant type: single nucleotide variant.
Coding change: c.5620A>G on transcript NM_001130987.2 (MANE Select); coding-DNA position 5620, A replaced by G.
Protein change: p.Met1874Val; replaces methionine 1874 with valine.
Molecular consequence: missense variant.
Genome position (GRCh38, 1-based): chr2:71,669,185, A>G. VCF-style: chr2-71669185-A-G. GRCh37 (hg19) VCF-style: chr2-71896315-A-G.
Other names: NM_001130987.2(DYSF):c.5620A>G; p.Met1874Val; c.5506A>G, p.Met1836Val (NM_001130455.2); c.5461A>G, p.Met1821Val (NM_001130976.2); c.5524A>G, p.Met1842Val (NM_001130977.2); c.5566A>G, p.Met1856Val (NM_001130978.2); c.5596A>G, p.Met1866Val (NM_001130979.2); c.5554A>G, p.Met1852Val (NM_001130980.2); and 7 more; short protein forms M1835V, M1874V, M1822V, M1843V, M1873V, M1836V, M1842V, M1852V.
Identifiers: ClinVar variation 500678 (VCV000500678.9), dbSNP rs1553415622, ClinGen allele CA347223040.

ClinVar aggregate classification (germline): Pathogenic. Review status: reviewed by expert panel (3 of 4 stars). 3 submissions from 3 submitters: Pathogenic (1). 2 of the submissions do not count toward it. Last evaluated 2025-06-10.

Conditions:
Autosomal recessive limb-girdle muscular dystrophy. Identifiers: Orphanet 102015, MedGen C2931907, MONDO:0015152.
Neuromuscular disease caused by qualitative or quantitative defects of dysferlin. Also called: Dysferlinopathy; Qualitative or quantitative defects of dysferlin. Identifiers: Orphanet 207073, MedGen C2931687, MONDO:0016145.

Submissions (3):

ClinGen Limb Girdle Muscular Dystrophy Variant Curation Expert Panel, ClinGen
Classification: Pathogenic for Autosomal recessive limb-girdle muscular dystrophy. Last evaluated: 2025-06-10. Review status: reviewed by expert panel. Criteria: ClinGen LGMD VCEP ACMG Specifications DYSF V1.0.0. Collection method: curation. Allele origin: germline. Inheritance: Autosomal recessive inheritance.
Comment: The NM_003494.4: c.5503A>G variant in DYSF, which is also known as NM_001130987.2: c.5620A>G p.(Met1874Val), is a missense variant predicted to cause substitution of methionine by valine at amino acid 1835, p.(Met1835Val). This variant is also predicted to disrupt the splice donor site of exon 49 and strengthen an alternative donor site (SpliceAI score of 0.73 and 0.86, respectively). RNAseq analysis has demonstrated use of the cryptic splice site that results in the deletion of 23 bp of exon 49, leading to a frameshift and premature truncation, p.Met1835LeufsTer6, with nonsense mediated decay expected (PMID: 36983702; PVS1_RNA). This variant has been reported in at least two individuals with features consistent with LGMD (PMID: 30564623, 36983702, 32528171; LOVD Individuals #00314263, #00222598), including in unknown phase with a pathogenic variant in one patient (NM_003494.4: c.1639-6T>A, 0.5 pts, PMID: 30564623, 36983702; LOVD Individual #00222598) (PM3_Supporting). At least one individual with this variant and a second presumed diagnostic DYSF variant displayed progressive limb girdle muscle weakness and absent dysferlin protein expression in skeletal muscle and blood monocytes, which is highly specific for DYSF-related LGMD (PMID: 36983702; PP4_Strong). The same two DYSF variants were identified in one affected family member, but phase was not determined (PMID: 36983702; PP1 not met). This variant is absent from gnomAD v4.1.0 (PM2_Supporting). In summary, this variant meets the criteria to be classified as Pathogenic for autosomal recessive limb girdle muscular dystrophy based on the ACMG/AMP criteria applied, as specified by the ClinGen LGMD VCEP (LGMD VCEP specifications version 1.0.0; 06/10/2025): PVS1_RNA, PM3_Supporting, PP4_Strong, PM2_Supporting.

Jain Foundation
Classification: Pathogenic for Dysferlinopathy. Last evaluated: 2023-03-13. Review status: criteria provided, single submitter. Criteria: Rufibach et al. (J Pers Med. 2023). Collection method: research. Allele origin: unknown, not applicable. Inheritance: Autosomal recessive inheritance. Affected: yes. Observed: 1 compound heterozygote. Functional consequence: sequence_variant_affecting_splicing. Not counted in ClinVar's aggregate classification.
Comment: This varaint has been found in the heterozygous state in conjunction with another pathogenic DYSF variant, c.1639-6T>A, in 2 different individuals (PMID:36983702, 30564623). It has also been identified in one family with dysferlinopathy, segregating with the disease in 2 affected siblings, and was associated with absent dysferlin protein expression (PMID: 36983702). RNASeq analysis showed that the c.5503G>A variant activates a cryptic splice site at is own variant position in exon 49 that results in the deletion of 23 bps from exon 49 and causes a frameshift (p.Met1835LeufsX6; PMID: 36983702). The ACMG classification criteria are: PM2 moderate, PM3 moderate, PP1 supporting, PP4 moderate, and PS3 strong. Based on the above data, this variant has been classified as Pathogenic

Eurofins Ntd Llc (ga)
Classification: Uncertain significance. Last evaluated: 2017-02-28. Review status: criteria provided, single submitter. Criteria: EGL Classification Definitions 2015. Collection method: clinical testing. Allele origin: germline. Observed: 1 variant allele, 1 heterozygote. Not counted in ClinVar's aggregate classification.

Literature cited by the submitters: PubMed 30564623 (cited by Jain Foundation).